The following is an entry in ClinVar:

ClinVar aggregate classification (germline): Uncertain significance (1 of 4 stars; one submission).

Conditions:
Hypertrophic cardiomyopathy. Also called: HYPERTROPHIC MYOCARDIOPATHY. Identifiers: Orphanet 217569, MedGen C0007194, MeSH D002312, MONDO:0005045, HP:0001639.

Submission:

Labcorp Genetics (formerly Invitae), Labcorp
Classification: Uncertain significance for Hypertrophic cardiomyopathy. Last evaluated: 2019-06-09. Review status: criteria provided, single submitter. Criteria: Invitae Variant Classification Sherloc (09022015). Collection method: clinical testing. Allele origin: germline.
Comment: This variant results in a copy number gain of the genomic region encompassing exons 23-34 of the MYBPC3 gene. The 5' boundary is likely confined to intron 22. The 3' end of this event is unknown as it extends beyond the assayed region for this gene and therefore may encompass additional genes. As the precise location of this event is unknown, it may be in tandem or it may be located elsewhere in the genome. This variant has not been reported in the literature in individuals with MYBPC3-related conditions. Experimental studies and prediction algorithms are not available or were not evaluated for this variant, and the functional significance of the affected amino acid(s) is currently unknown. In summary, the available evidence is currently insufficient to determine the role of this variant in disease. Therefore, it has been classified as a Variant of Uncertain Significance.

NC_000011.10:g.(?_47331843)_(47338689_?)dup

Gene: MYBPC3 (myosin binding protein C3; minus strand). Cytogenetic location: 11p11.2.
Variant type: Duplication.
Identifiers: ClinVar variation 831386 (VCV000831386.5).